The following is an entry in ClinVar:

ClinVar aggregate classification (germline): Likely pathogenic (1 of 4 stars; one submission).

Conditions:
Autosomal recessive limb-girdle muscular dystrophy type 2J (LGMDR10). Also called: Limb-girdle muscular dystrophy, type 2J; MUSCULAR DYSTROPHY, LIMB-GIRDLE, AUTOSOMAL RECESSIVE 10. Identifiers: Orphanet 140922, MedGen C1837342, MONDO:0012127, OMIM 608807.
Dilated cardiomyopathy 1G (CMD1G). Identifiers: Orphanet 154, MedGen C1858763, MONDO:0011400, OMIM 604145.

Allele frequency attached by ClinVar (database versions not stated): gnomAD exomes below 0.00001; TOPMed below 0.00001; ExAC 0.00001; gnomAD 0.00001.

Submission:

Labcorp Genetics (formerly Invitae), Labcorp
Classification: Likely pathogenic for Dilated cardiomyopathy 1G; Autosomal recessive limb-girdle muscular dystrophy type 2J. Last evaluated: 2025-10-23. Review status: criteria provided, single submitter. Criteria: Invitae Variant Classification Sherloc (09022015). Collection method: clinical testing. Allele origin: germline.
Comment: This sequence change affects a donor splice site in intron 58 of the TTN gene. It is expected to disrupt RNA splicing and likely results in a truncated or disrupted TTN protein. This variant is present in population databases (rs768821549, gnomAD 0.0009%). This variant has not been reported in the literature in individuals affected with TTN-related conditions. ClinVar contains an entry for this variant (Variation ID: 2124023). Algorithms developed to predict the effect of sequence changes on RNA splicing suggest that this variant may disrupt the consensus splice site. This variant is located in the I band of TTN (PMID: 25589632). Truncating variants in this region have been reported in individuals affected with autosomal recessive centronuclear myopathy (PMID: 23975875, internal data). Truncating variants in this region have also been identified in individuals affected with autosomal dominant dilated cardiomyopathy and/or cardio-related conditions (PMID: 27869827, 32964742, internal data). In summary, the currently available evidence indicates that the variant is pathogenic, but additional data are needed to prove that conclusively. Therefore, this variant has been classified as Likely Pathogenic.

Literature cited by the submitters: PubMed 25589632; PubMed 23975875; PubMed 27869827; PubMed 32964742.

NM_001267550.2(TTN):c.17182+1G>A

Genes: TTN (titin; minus strand), LOC126806431 (CDK7 strongly-dependent group 2 enhancer GRCh37_chr2:179595719-179596918; plus strand). Cytogenetic location: 2q31.2.
Variant type: single nucleotide variant.
Coding change: c.17182+1G>A on transcript NM_001267550.2 (MANE Select); the canonical splice donor site of the intron after coding-DNA position 17182, G replaced by A.
Molecular consequence: splice donor variant. On other transcripts: intron variant (3).
Genome position (GRCh38, 1-based): chr2:178,731,692, C>T on the plus strand (G>A on the coding strand, the complement: TTN is on the minus strand). VCF-style: chr2-178731692-C-T. GRCh37 (hg19) VCF-style: chr2-179596419-C-T.
Other names: c.13282+6390G>A (NM_003319.4); c.13858+6390G>A (NM_133437.4); c.13657+6390G>A (NM_133432.3); c.13450+1G>A (NM_133378.4); c.16231+1G>A (NM_001256850.1).
Identifiers: ClinVar variation 2124023 (VCV002124023.4), dbSNP rs768821549, ClinGen allele CA2001905.